The following is an entry in ClinVar:

ClinVar aggregate classification (germline): Uncertain significance. Review status: criteria provided, multiple submitters, no conflicts (2 of 4 stars). 4 submissions from 4 submitters: Uncertain significance (4). Last evaluated 2025-01-23.

Conditions:
Hereditary nonpolyposis colorectal neoplasms. Identifiers: MedGen C0009405, MeSH D003123.
Hereditary cancer-predisposing syndrome. Also called: Hereditary neoplastic syndrome; Neoplastic Syndromes, Hereditary; Tumor predisposition; Hereditary Cancer Syndrome. Identifiers: Orphanet 140162, MedGen C0027672, MeSH D009386, MONDO:0015356.
Lynch syndrome. Identifiers: Orphanet 144, MedGen C4552100, MONDO:0005835. Disease mechanism: loss of function.

Submissions (4):

Ambry Genetics
Classification: Uncertain significance for Hereditary cancer-predisposing syndrome. Last evaluated: 2025-01-23. Review status: criteria provided, single submitter. Criteria: Ambry Variant Classification Scheme 2023. Collection method: clinical testing. Allele origin: germline.
Comment: The p.F80C variant (also known as c.239T>G), located in coding exon 3 of the PMS2 gene, results from a T to G substitution at nucleotide position 239. The phenylalanine at codon 80 is replaced by cysteine, an amino acid with highly dissimilar properties. This amino acid position is highly conserved in available vertebrate species. In addition, this alteration is predicted to be deleterious by in silico analysis. Based on the available evidence, the clinical significance of this variant remains unclear.

Labcorp Genetics (formerly Invitae), Labcorp
Classification: Uncertain significance for Hereditary nonpolyposis colorectal neoplasms. Last evaluated: 2024-12-16. Review status: criteria provided, single submitter. Criteria: Invitae Variant Classification Sherloc (09022015). Collection method: clinical testing. Allele origin: germline.
Comment: This sequence change replaces phenylalanine, which is neutral and non-polar, with cysteine, which is neutral and slightly polar, at codon 80 of the PMS2 protein (p.Phe80Cys). This variant is not present in population databases (gnomAD no frequency). This variant has not been reported in the literature in individuals affected with PMS2-related conditions. ClinVar contains an entry for this variant (Variation ID: 422304). Invitae Evidence Modeling incorporating data from in vitro experimental studies (internal data) indicates that this missense variant is not expected to disrupt PMS2 function with a negative predictive value of 95%. In summary, the available evidence is currently insufficient to determine the role of this variant in disease. Therefore, it has been classified as a Variant of Uncertain Significance.

All of Us Research Program, National Institutes of Health
Classification: Uncertain significance for Lynch syndrome. Last evaluated: 2023-10-06. Review status: criteria provided, single submitter. Criteria: ACMG Guidelines, 2015. Collection method: clinical testing. Allele origin: germline. Inheritance: Autosomal dominant inheritance. Observed: 1 variant allele, 1 heterozygote.
Comment: This missense variant replaces phenylalanine with cysteine at codon 80 of the PMS2 protein. Computational prediction suggests that this variant may have deleterious impact on protein structure and function (internally defined REVEL score threshold >= 0.7, PMID: 27666373). To our knowledge, functional studies have not been reported for this variant. This variant has not been reported in individuals affected with PMS2-related disorders in the literature. This variant has not been identified in the general population by the Genome Aggregation Database (gnomAD). The available evidence is insufficient to determine the role of this variant in disease conclusively. Therefore, this variant is classified as a Variant of Uncertain Significance.

This study involves interpretation of variants in research participants for the purpose of population health screening. Participant phenotype was not available at the time of variant classification. Additional details can be found in publication PMID: 35346344, PMCID: PMC8962531

GeneDx
Classification: Uncertain significance. Last evaluated: 2016-09-22. Review status: criteria provided, single submitter. Criteria: GeneDx Variant Classification (06012015). Collection method: clinical testing. Allele origin: germline. Affected: yes.
Comment: This variant is denoted PMS2 c.239T>G at the cDNA level, p.Phe80Cys (F80C) at the protein level, and results in the change of a Phenylalanine to a Cysteine (TTC>TGC). This variant has not, to our knowledge, been published in the literature as pathogenic or benign. PMS2 Phe80Cys was not observed in approximately 6,500 individuals of European and African American ancestry in the NHLBI Exome Sequencing Project, suggesting it is not a common benign variant in these populations. Since Phenylalanine and Cysteine differ in polarity, charge, size or other properties, this is considered a non-conservative amino acid substitution. PMS2 Phe80Cys occurs at a position that is conserved across species and is located in the ATPase domain (Guarne 2001, Fukui 2011). In silico analyses predict that this variant is probably damaging to protein structure and function. Based on currently available evidence, it is unclear whether PMS2 Phe80Cys is a pathogenic or benign variant. We consider it to be a variant of uncertain significance.

NM_000535.7(PMS2):c.239T>G (p.Phe80Cys)

Gene: PMS2 (PMS1 homolog 2, mismatch repair system component; minus strand). Cytogenetic location: 7p22.1.
Variant type: single nucleotide variant.
Coding change: c.239T>G on transcript NM_000535.7 (MANE Select); coding-DNA position 239, T replaced by G.
Protein change: p.Phe80Cys; replaces phenylalanine 80 with cysteine.
Molecular consequence: missense variant. On other transcripts: 5 prime UTR variant (9), synonymous variant (2), non-coding transcript variant (1).
Genome position (GRCh38, 1-based): chr7:6,003,983, A>C on the plus strand (T>G on the coding strand, the complement: PMS2 is on the minus strand). VCF-style: chr7-6003983-A-C. GRCh37 (hg19) VCF-style: chr7-6043614-A-C.
Other names: c.-167T>G (NM_001322003.2, NM_001322004.2, NM_001322005.2 and 3 more transcripts); c.239T>G, p.Phe80Cys (NM_001322006.2, NM_001322014.2); c.24T>G, p.Leu8= (NM_001322007.2, NM_001322008.2); c.-646T>G (NM_001322011.2, NM_001322012.2); c.-246T>G (NM_001322015.2); short protein forms F80C.
Identifiers: ClinVar variation 422304 (VCV000422304.15), dbSNP rs1064795697, ClinGen allele CA16618540.
Genomic context (GRCh38, chr7:6,003,983, plus strand): 5'-GACATGTGACCCAATTATTTTATAATAGGATTAGAAAAAGTCAACTTACTTAAGCCTTCG[A>C]AGTTTTCTTCTTCTACCCCACATCCATTGTCTGAAACTTCAATAAGATCCACTCCATAGT-3'
Protein context (NP_000526.2, residues 70-90): DNGCGVEEEN[Phe80Cys]EGLTLKHHTS